The following is an entry in ClinVar:

ClinVar aggregate classification (germline): Pathogenic/Likely pathogenic. Review status: criteria provided, multiple submitters, no conflicts (2 of 4 stars). 3 submissions from 3 submitters: Pathogenic (1); Likely pathogenic (2). Last evaluated 2025-02-13.

Conditions:
TRIOBP-related disorder. Also called: TRIOBP-related condition.

Submissions (3):

Labcorp Genetics (formerly Invitae), Labcorp
Classification: Pathogenic. Last evaluated: 2025-02-13. Review status: criteria provided, single submitter. Criteria: Invitae Variant Classification Sherloc (09022015). Collection method: clinical testing. Allele origin: germline.
Comment: This sequence change creates a premature translational stop signal (p.Gln870Profs*28) in the TRIOBP gene. It is expected to result in an absent or disrupted protein product. Loss-of-function variants in TRIOBP are known to be pathogenic (PMID: 16385457, 16385458, 20510926). This variant is present in population databases (no rsID available, gnomAD 0.002%). This variant has not been reported in the literature in individuals affected with TRIOBP-related conditions. ClinVar contains an entry for this variant (Variation ID: 1220504). For these reasons, this variant has been classified as Pathogenic.

Blueprint Genetics
Classification: Likely pathogenic for TRIOBP-related disorders. Last evaluated: 2021-04-29. Review status: criteria provided, single submitter. Criteria: ACMG Guidelines, 2015. Collection method: clinical testing. Allele origin: germline. Affected: yes. Observed: 2 variant alleles.

GeneDx
Classification: Likely pathogenic. Last evaluated: 2020-01-28. Review status: criteria provided, single submitter. Criteria: GeneDx Variant Classification Process June 2021. Collection method: clinical testing. Allele origin: germline. Affected: yes.
Comment: Frameshift variant predicted to result in protein truncation or nonsense mediated decay in a gene for which loss-of-function is a known mechanism of disease; Not observed in large population cohorts (Lek et al., 2016); Has not been previously published as pathogenic or benign to our knowledge

Literature cited by the submitters: PubMed 16385457 (cited by Labcorp Genetics (formerly Invitae), Labcorp); PubMed 16385458 (cited by Labcorp Genetics (formerly Invitae), Labcorp); PubMed 20510926 (cited by Labcorp Genetics (formerly Invitae), Labcorp).

NM_001039141.3(TRIOBP):c.2609_2619del (p.Gln870fs)

Gene: TRIOBP (TRIO and F-actin binding protein; plus strand). Cytogenetic location: 22q13.1.
Variant type: Deletion.
Coding change: c.2609_2619del on transcript NM_001039141.3 (MANE Select); coding-DNA positions 2609 to 2619, 11 bases deleted (AATGCTGCACC).
Protein change: p.Gln870fs; shifts the reading frame from glutamine 870.
Molecular consequence: frameshift variant.
Genome position (GRCh38, 1-based): chr22:37,725,165-37,725,175, AATGCTGCACC deleted; deleting any 11 consecutive bases within chr22:37,725,164-37,725,175 gives the same sequence; the c. name uses the placement nearest the transcript's 3' end. VCF-style (leftmost placement, unchanged base first): chr22-37725163-TCAATGCTGCAC-T. GRCh37 (hg19) VCF-style: chr22-38121170-TCAATGCTGCAC-T.
Other names: short protein forms Q870fs.
Identifiers: ClinVar variation 1220504 (VCV001220504.5), dbSNP rs1180979609, ClinGen allele CA639394648.
Genomic context (GRCh38, chr22:37,725,163, plus strand): 5'-ACAGCGGGACCGCACACAGTCCTTTTCCTTTCAACGAGACAACCCTGGAACCTCCTCATC[TCAATGCTGCAC>T]CCAAAAGGAGAATCTGAGACCATCATCTCCCCACCGCTCCACTCAATGGAACAATCCCAG-3'